The following is an entry in ClinVar:

ClinVar aggregate classification (germline): Conflicting classifications of pathogenicity. Review status: criteria provided, conflicting classifications (1 of 4 stars). 4 submissions from 4 submitters: Uncertain significance (2); Likely benign (1). 1 of the submissions does not count toward it. Last evaluated 2026-03-25.

Conditions:
APOB-related disorder. Also called: APOB-related condition; APOB-related disorders.
Familial hypobetalipoproteinemia 1. Also called: Hypobetalipoproteinemia, normotriglyceridemic; Acanthocytosis with hypobetalipoproteinemia; APOB-Related Familial Hypobetalipoproteinemia. Identifiers: MedGen C4551990, MONDO:0014252, OMIM 615558.
Hypercholesterolemia, autosomal dominant, type B (FHCL2). Also called: Familial Hypercholesterolemia Type B; Hyperlipoproteinemia Type IIb; Familial hypercholesterolemia 2; APOB-Related Familial Hypercholesterolemia, Autosomal Dominant; APOLIPOPROTEIN B-100, FAMILIAL DEFECTIVE; APOLIPOPROTEIN B-100, FAMILIAL LIGAND-DEFECTIVE. Identifiers: MedGen C1704417, MONDO:0007751, OMIM 144010.
Cardiovascular phenotype. Identifiers: MedGen CN230736.

Allele frequency attached by ClinVar (database versions not stated): gnomAD exomes below 0.00001; ExAC 0.00001.
gnomAD v4.1: 3 of 1,614,004 alleles (0.00019%); no homozygotes.

Submissions (4):

GeneDx
Classification: Uncertain significance. Last evaluated: 2026-03-25. Review status: criteria provided, single submitter. Criteria: GeneDx Variant Classification Process June 2021. Collection method: clinical testing. Allele origin: germline.
Comment: Has been reported in an individual with dyslipidemia (PMID: 32041611); Not observed at significant frequency in large population cohorts (gnomAD); In silico analysis suggests that this missense variant does not alter protein structure/function; This variant is associated with the following publications: (PMID: 30076208, 32041611)

Ambry Genetics
Classification: Uncertain significance for Cardiovascular phenotype. Last evaluated: 2024-10-07. Review status: criteria provided, single submitter. Criteria: Ambry Variant Classification Scheme 2023. Collection method: clinical testing. Allele origin: germline.
Comment: The p.S3168T variant (also known as c.9502T>A), located in coding exon 26 of the APOB gene, results from a T to A substitution at nucleotide position 9502. The serine at codon 3168 is replaced by threonine, an amino acid with similar properties. This amino acid position is not well conserved in available vertebrate species, and threonine is the reference amino acid in other vertebrate species. In addition, this alteration is predicted to be tolerated by in silico analysis. Since supporting evidence is limited at this time, the clinical significance of this alteration remains unclear.

Labcorp Genetics (formerly Invitae), Labcorp
Classification: Likely benign for Familial hypobetalipoproteinemia 1; Hypercholesterolemia, autosomal dominant, type B. Last evaluated: 2024-03-20. Review status: criteria provided, single submitter. Criteria: Invitae Variant Classification Sherloc (09022015). Collection method: clinical testing. Allele origin: germline.

PreventionGenetics, part of Exact Sciences
Classification: Uncertain significance for APOB-related condition. Last evaluated: 2023-12-27. Review status: no assertion criteria provided. Collection method: clinical testing. Allele origin: germline. Not counted in ClinVar's aggregate classification.
Comment: The APOB c.9502T>A variant is predicted to result in the amino acid substitution p.Ser3168Thr. To our knowledge, this variant has not been reported in the literature. This variant is reported in 0.0054% of alleles in individuals of East Asian descent in gnomAD. At this time, the clinical significance of this variant is uncertain due to the absence of conclusive functional and genetic evidence.

NM_000384.3(APOB):c.9502T>A (p.Ser3168Thr)

Gene: APOB (apolipoprotein B; minus strand). Cytogenetic location: 2p24.1.
Variant type: single nucleotide variant.
Coding change: c.9502T>A on transcript NM_000384.3 (MANE Select); coding-DNA position 9502, T replaced by A.
Protein change: p.Ser3168Thr; replaces serine 3168 with threonine.
Molecular consequence: missense variant.
Genome position (GRCh38, 1-based): chr2:21,007,366, A>T on the plus strand (T>A on the coding strand, the complement: APOB is on the minus strand). VCF-style: chr2-21007366-A-T. GRCh37 (hg19) VCF-style: chr2-21230238-A-T.
Other names: short protein forms S3168T.
Identifiers: ClinVar variation 925614 (VCV000925614.16), dbSNP rs761382742, ClinGen allele CA066608.
Genomic context (GRCh38, chr2:21,007,366, plus strand): 5'-TTGTGATGGAATGCCTGTGTTTGTTTTTCTTATACTGAGCTTTTACACTTAAATCAAATG[A>T]TTGCTTTGTCGTTTTCAAGAATTCCTTCAAGCCTGTTTTTTCCCATAGAGAGAAATCTTT-3'
Protein context (NP_000375.3, residues 3158-3178): LKEFLKTTKQ[Ser3168Thr]FDLSVKAQYK